The following is an entry in ClinVar:

ClinVar aggregate classification (germline): Conflicting classifications of pathogenicity. Review status: criteria provided, conflicting classifications (1 of 4 stars). 6 submissions from 6 submitters: Uncertain significance (1); Likely benign (4). 1 of the submissions does not count toward it. Last evaluated 2026-01-17.

Conditions:
Stargardt disease (FFM). Also called: Stargardt's disease; Fundus flavimaculatus. Identifiers: Orphanet 827, MedGen C0271093, MONDO:0019353.
PRPH2-related disorder. Also called: PRPH2-related disorders; PRPH2-related condition. Identifiers: MedGen CN239395.

Allele frequency attached by ClinVar (database versions not stated): TOPMed 0.00162; 1000 Genomes Project 0.00200; 1000 Genomes Project 30x 0.00203.
gnomAD v4.1: 460 of 1,614,190 alleles (0.028%); highest among the groups gnomAD compares: African/African-American, 0.54%; 1 homozygote.

Submissions (6):

Labcorp Genetics (formerly Invitae), Labcorp
Classification: Likely benign for PRPH2-related disorder. Last evaluated: 2026-01-17. Review status: criteria provided, single submitter. Criteria: Invitae Variant Classification Sherloc (09022015). Collection method: clinical testing. Allele origin: germline.

Blueprint Genetics
Classification: Likely benign. Last evaluated: 2024-11-06. Review status: criteria provided, single submitter. Criteria: ACMG Guidelines, 2015. Collection method: clinical testing. Allele origin: germline.

GeneDx
Classification: Likely benign. Last evaluated: 2023-07-03. Review status: criteria provided, single submitter. Criteria: GeneDx Variant Classification Process June 2021. Collection method: clinical testing. Allele origin: germline. Affected: yes.
Comment: See Variant Classification Assertion Criteria.

NEI Ophthalmic Genomics Laboratory, National Institutes of Health
Classification: Uncertain significance for Stargardt disease. Last evaluated: 2020-01-07. Review status: criteria provided, single submitter. Criteria: ACMG Guidelines, 2015. Collection method: clinical testing. Allele origin: germline. Affected: yes.
Comment: The variant NM_000322.4:c.483C>G in the PRPH2 gene has not been reported to our knowledge . This variant is listed in dbSNP and/or HGMD (rs76989855). It is present in gnomAD browser (AF 0.0003817). This variant is not already listed in ClinVar. It is not enriched in the PRPH2 disease cohort. We invoked ACMG criteria [PM1, PM2, BP4] and classified NM_000322.4:c.483C>G in the PRPH2 gene as a Variant of Uncertain Significance.

ARUP Laboratories, Molecular Genetics and Genomics, ARUP Laboratories
Classification: Likely benign. Last evaluated: 2019-10-21. Review status: criteria provided, single submitter. Criteria: ARUP Molecular Germline Variant Investigation Process. Collection method: clinical testing. Allele origin: germline.

Leiden Open Variation Database
Classification: Uncertain significance. Last evaluated: 2021-04-06. Review status: no assertion criteria provided. Collection method: curation. Allele origin: germline. Affected: yes. Not counted in ClinVar's aggregate classification.
Comment: Curator: Global Variome, with Curator vacancy. Submitter to LOVD: Manon Peeters.

Literature cited by the submitters: PubMed 32531846 (cited by Leiden Open Variation Database).

NM_000322.5(PRPH2):c.483C>G (p.Ile161Met)

Gene: PRPH2 (peripherin 2; minus strand). Cytogenetic location: 6p21.1.
Variant type: single nucleotide variant.
Coding change: c.483C>G on transcript NM_000322.5 (MANE Select); coding-DNA position 483, C replaced by G.
Protein change: p.Ile161Met; replaces isoleucine 161 with methionine.
Molecular consequence: missense variant.
Genome position (GRCh38, 1-based): chr6:42,721,852, G>C on the plus strand (C>G on the coding strand, the complement: PRPH2 is on the minus strand). VCF-style: chr6-42721852-G-C. GRCh37 (hg19) VCF-style: chr6-42689590-G-C.
Other names: short protein forms I161M.
Identifiers: ClinVar variation 707592 (VCV000707592.23), dbSNP rs76989855, ClinGen allele CA3808606.